The following is an entry in ClinVar:

ClinVar aggregate classification (germline): Uncertain significance (1 of 4 stars; one submission).

Conditions:
Spastic paraplegia. Identifiers: MedGen C0037772, HP:0001258.

Allele frequency attached by ClinVar (database versions not stated): gnomAD 0.00001; TOPMed 0.00001; gnomAD exomes 0.00002 and 0.00003; ExAC 0.00003.
gnomAD v4.1: 32 of 1,613,986 alleles (0.002%); highest among the groups gnomAD compares: Admixed American, 0.0067%; no homozygotes.

Submission:

Labcorp Genetics (formerly Invitae), Labcorp
Classification: Uncertain significance for Spastic paraplegia. Last evaluated: 2021-12-02. Review status: criteria provided, single submitter. Criteria: Invitae Variant Classification Sherloc (09022015). Collection method: clinical testing. Allele origin: germline.
Comment: This sequence change replaces arginine, which is basic and polar, with tryptophan, which is neutral and slightly polar, at codon 1006 of the ZFYVE26 protein (p.Arg1006Trp). This variant is present in population databases (rs748367345, gnomAD 0.01%). This variant has not been reported in the literature in individuals affected with ZFYVE26-related conditions. Algorithms developed to predict the effect of missense changes on protein structure and function are either unavailable or do not agree on the potential impact of this missense change (SIFT: "Deleterious"; PolyPhen-2: "Possibly Damaging"; Align-GVGD: "Class C0"). Algorithms developed to predict the effect of sequence changes on RNA splicing suggest that this variant may create or strengthen a splice site. In summary, the available evidence is currently insufficient to determine the role of this variant in disease. Therefore, it has been classified as a Variant of Uncertain Significance.

NM_015346.4(ZFYVE26):c.3016C>T (p.Arg1006Trp)

Gene: ZFYVE26 (zinc finger FYVE-type containing 26; minus strand). Cytogenetic location: 14q24.1.
Variant type: single nucleotide variant.
Coding change: c.3016C>T on transcript NM_015346.4 (MANE Select); coding-DNA position 3016, C replaced by T.
Protein change: p.Arg1006Trp; replaces arginine 1006 with tryptophan.
Molecular consequence: missense variant.
Genome position (GRCh38, 1-based): chr14:67,789,338, G>A on the plus strand (C>T on the coding strand, the complement: ZFYVE26 is on the minus strand). VCF-style: chr14-67789338-G-A. GRCh37 (hg19) VCF-style: chr14-68256055-G-A.
Other names: short protein forms R1006W.
Identifiers: ClinVar variation 1384527 (VCV001384527.3), dbSNP rs748367345, ClinGen allele CA7240130.